The following is an entry in ClinVar:

NM_000321.3(RB1):c.1833A>G (p.Arg611=)

Gene: RB1 (RB transcriptional corepressor 1; plus strand). Cytogenetic location: 13q14.2.
Variant type: single nucleotide variant.
Coding change: c.1833A>G on transcript NM_000321.3 (MANE Select); coding-DNA position 1833, A replaced by G.
Protein change: p.Arg611=; no amino-acid change (arginine 611 retained).
Molecular consequence: synonymous variant.
Genome position (GRCh38, 1-based): chr13:48,456,222, A>G. VCF-style: chr13-48456222-A-G. GRCh37 (hg19) VCF-style: chr13-49030358-A-G.
Other names: c.1833A>G, p.Arg611= (NM_001407165.1).
Identifiers: ClinVar variation 3075646 (VCV003075646.2), dbSNP rs2138331060, ClinGen allele CA483558303.
Genomic context (GRCh38, chr13:48,456,222, plus strand): 5'-TAGCCAACTTGAAATGAAGACTTTTCCTTTAAATATATCTAGGTATCTTTCTCCTGTAAG[A>G]TCTCCAAAGAAAAAAGGTTCAACTACGCGTGTAAATTCTACTGCAAATGCAGAGACACAA-3'
Protein context (NP_000312.2, residues 601-621): TAADMYLSPV[Arg611=]SPKKKGSTTR

ClinVar aggregate classification (germline): Uncertain significance. Review status: criteria provided, multiple submitters, no conflicts (2 of 4 stars). 2 submissions from 2 submitters: Uncertain significance (2). Last evaluated 2024-10-14.

Conditions:
Hereditary cancer-predisposing syndrome. Also called: Neoplastic Syndromes, Hereditary; Tumor predisposition; Hereditary neoplastic syndrome; Hereditary Cancer Syndrome. Identifiers: Orphanet 140162, MedGen C0027672, MeSH D009386, MONDO:0015356.
Retinoblastoma (RB1). Also called: RETINOBLASTOMA, SOMATIC. Identifiers: Orphanet 790, MedGen C0035335, MeSH D012175, MONDO:0008380, OMIM 180200, HP:0009919. Disease mechanism: loss of function. Inheritance: Both sporadic and heritable forms are tested..

Submissions (2):

Ambry Genetics
Classification: Uncertain significance for Hereditary cancer-predisposing syndrome. Last evaluated: 2024-10-14. Review status: criteria provided, single submitter. Criteria: Ambry Variant Classification Scheme 2023. Collection method: clinical testing. Allele origin: germline.
Comment: The c.1833A>G variant (also known as p.R611R), located in coding exon 19 of the RB1 gene, results from an A to G substitution at nucleotide position 1833. This nucleotide substitution does not change the at codon 611. This nucleotide position is well conserved in available vertebrate species. In silico splice site analysis predicts that this alteration will result in the creation or strengthening of a novel splice acceptor site. RNA studies have demonstrated that this alteration results in a splice defect; the clinical impact of this abnormal splicing is unknown at this time (Ambry internal data). Based on the available evidence, the clinical significance of this variant remains unclear.

All of Us Research Program, National Institutes of Health
Classification: Uncertain significance for Retinoblastoma. Last evaluated: 2023-06-08. Review status: criteria provided, single submitter. Criteria: ACMG Guidelines, 2015. Collection method: clinical testing. Allele origin: germline. Inheritance: Autosomal dominant inheritance. Observed: 1 variant allele, 1 heterozygote.
Comment: This synonymous variant is located in the first codon of exon 19 in the RB1 protein. Splice site prediction tools suggest that this variant may impact RNA splicing. To our knowledge, RNA studies have not been reported for this variant. This variant has not been reported in individuals affected with hereditary cancer in the literature. This variant has not been identified in the general population by the Genome Aggregation Database (gnomAD). The available evidence is insufficient to determine the role of this variant in disease conclusively. Therefore, this variant is classified as a Variant of Uncertain Significance.

This study involves interpretation of variants in research participants for the purpose of population health screening. Participant phenotype was not available at the time of variant classification. Additional details can be found in publication PMID: 35346344, PMCID: PMC8962531